The following is an entry in ClinVar:

ClinVar aggregate classification (germline): Likely benign. Review status: criteria provided, multiple submitters, no conflicts (2 of 4 stars). 2 submissions from 2 submitters: Likely benign (2). Last evaluated 2018-06-15.

Allele frequency attached by ClinVar (database versions not stated): 1000 Genomes Project 30x 0.00968; 1000 Genomes Project 0.01078; gnomAD 0.01786 and 0.01825; TOPMed 0.02010.

Submissions (2):

GeneDx
Classification: Likely benign. Last evaluated: 2018-06-15. Review status: criteria provided, single submitter. Criteria: GeneDx Variant Classification (06012015). Collection method: clinical testing. Allele origin: germline. Affected: yes.
Comment: This variant is considered likely benign or benign based on one or more of the following criteria: it is a conservative change, it occurs at a poorly conserved position in the protein, it is predicted to be benign by multiple in silico algorithms, and/or has population frequency not consistent with disease.

Breakthrough Genomics
Classification: Likely benign. Review status: criteria provided, single submitter. Criteria: ACMG Guidelines, 2015. Collection method: not provided. Allele origin: germline. Inheritance: Autosomal recessive inheritance. Affected: yes.

NM_006231.4(POLE):c.2469-242G>A

Gene: POLE (DNA polymerase epsilon, catalytic subunit; minus strand). Cytogenetic location: 12q24.33.
Variant type: single nucleotide variant.
Coding change: c.2469-242G>A on transcript NM_006231.4 (MANE Select); 242 bases into the intron before coding-DNA position 2469, G replaced by A.
Molecular consequence: intron variant.
Genome position (GRCh38, 1-based): chr12:132,664,704, C>T on the plus strand (G>A on the coding strand, the complement: POLE is on the minus strand). VCF-style: chr12-132664704-C-T. GRCh37 (hg19) VCF-style: chr12-133241290-C-T.
Identifiers: ClinVar variation 679766 (VCV000679766.2), dbSNP rs5744830, ClinGen allele CA246318953.